The following is an entry in ClinVar:

ClinVar aggregate classification (germline): Uncertain significance (1 of 4 stars; one submission).

Conditions:
Charcot-Marie-Tooth disease axonal type 2O. Also called: CHARCOT-MARIE-TOOTH NEUROPATHY, AXONAL, TYPE 2O; CHARCOT-MARIE-TOOTH DISEASE, AXONAL, AUTOSOMAL DOMINANT, TYPE 2O; Charcot-Marie-Tooth Neuropathy Type 2O; Charcot-Marie-Tooth disease, axonal, type 20. Identifiers: Orphanet 284232, MedGen C3280220, MONDO:0013644, OMIM 614228.

Submission:

Labcorp Genetics (formerly Invitae), Labcorp
Classification: Uncertain significance for Charcot-Marie-Tooth disease axonal type 2O. Last evaluated: 2025-01-22. Review status: criteria provided, single submitter. Criteria: Invitae Variant Classification Sherloc (09022015). Collection method: clinical testing. Allele origin: germline.
Comment: This sequence change replaces lysine, which is basic and polar, with glutamine, which is neutral and polar, at codon 1395 of the DYNC1H1 protein (p.Lys1395Gln). This variant is not present in population databases (gnomAD no frequency). This variant has not been reported in the literature in individuals affected with DYNC1H1-related conditions. An algorithm developed to predict the effect of missense changes on protein structure and function (PolyPhen-2) suggests that this variant is likely to be disruptive. In summary, the available evidence is currently insufficient to determine the role of this variant in disease. Therefore, it has been classified as a Variant of Uncertain Significance.

NM_001376.5(DYNC1H1):c.4183A>C (p.Lys1395Gln)

Gene: DYNC1H1 (dynein cytoplasmic 1 heavy chain 1; plus strand). Cytogenetic location: 14q32.31.
Variant type: single nucleotide variant.
Coding change: c.4183A>C on transcript NM_001376.5 (MANE Select); coding-DNA position 4183, A replaced by C.
Protein change: p.Lys1395Gln; replaces lysine 1395 with glutamine.
Molecular consequence: missense variant.
Genome position (GRCh38, 1-based): chr14:102,001,062, A>C. VCF-style: chr14-102001062-A-C. GRCh37 (hg19) VCF-style: chr14-102467399-A-C.
Other names: short protein forms K1395Q.
Identifiers: ClinVar variation 3677124 (VCV003677124.2).